The following is an entry in ClinVar:

ClinVar aggregate classification (germline): Pathogenic (1 of 4 stars; one submission).

Conditions:
Lynch syndrome. Identifiers: Orphanet 144, MedGen C4552100, MONDO:0005835. Disease mechanism: loss of function.

Submission:

Labcorp Genetics (formerly Invitae), Labcorp
Classification: Pathogenic for Hereditary nonpolyposis colorectal neoplasms. Last evaluated: 2016-12-04. Review status: criteria provided, single submitter. Criteria: Invitae Variant Classification Sherloc (09022015). Collection method: clinical testing. Allele origin: germline.
Comment: This variant is a gross deletion of the genomic region encompassing exons 3-9 of the MSH6 gene. This is expected to result in an absent or disrupted protein product, lacking ~88% of the amino acid sequence. While this particular variant has not been reported in the literature, loss-of-function variants and gross deletions of MSH6 are known to be pathogenic (PMID: 20487569, 20028993, 16885385). For these reasons, this variant has been classified as Pathogenic.

NM_000179.2(MSH6):c.458-?_4001+?del

Gene: MSH6 (mutS homolog 6; plus strand). Cytogenetic location: 2p16.3.
Variant type: Deletion.
Coding change: c.458-?_4001+?del on transcript NM_000179.2.
Other names: c.458-?_4001+?del (LRG_219t1).
Identifiers: ClinVar variation 254042 (VCV000254042.1).